The following is an entry in ClinVar:

NM_000540.3(RYR1):c.5468G>C (p.Gly1823Ala)

Gene: RYR1 (ryanodine receptor 1; plus strand). Cytogenetic location: 19q13.2.
Variant type: single nucleotide variant.
Coding change: c.5468G>C on transcript NM_000540.3 (MANE Select); coding-DNA position 5468, G replaced by C.
Protein change: p.Gly1823Ala; replaces glycine 1823 with alanine.
Molecular consequence: missense variant.
Genome position (GRCh38, 1-based): chr19:38,486,123, G>C. VCF-style: chr19-38486123-G-C. GRCh37 (hg19) VCF-style: chr19-38976763-G-C.
Other names: c.5468G>C, p.Gly1823Ala (NM_001042723.2); short protein forms G1823A.
Identifiers: ClinVar variation 2178640 (VCV002178640.5), dbSNP rs758856448, ClinGen allele CA067136.

ClinVar aggregate classification (germline): Uncertain significance. Review status: criteria provided, multiple submitters, no conflicts (2 of 4 stars). 2 submissions from 2 submitters: Uncertain significance (2). Last evaluated 2025-09-04.

Conditions:
RYR1-related disorder. Also called: RYR1-related condition; RYR1-related disorders. Identifiers: MedGen CN239331.

gnomAD v4.1: 1 of 1,613,166 alleles (0.000062%); highest among the groups gnomAD compares: Admixed American, 0.0017%; no homozygotes.

Submissions (2):

Labcorp Genetics (formerly Invitae), Labcorp
Classification: Uncertain significance for RYR1-related disorder. Last evaluated: 2025-09-04. Review status: criteria provided, single submitter. Criteria: Invitae Variant Classification Sherloc (09022015). Collection method: clinical testing. Allele origin: germline.
Comment: This sequence change replaces glycine, which is neutral and non-polar, with alanine, which is neutral and non-polar, at codon 1823 of the RYR1 protein (p.Gly1823Ala). This variant is present in population databases (rs758856448, gnomAD 0.006%). This variant has not been reported in the literature in individuals affected with RYR1-related conditions. ClinVar contains an entry for this variant (Variation ID: 2178640). Invitae Evidence Modeling of protein sequence and biophysical properties (such as structural, functional, and spatial information, amino acid conservation, physicochemical variation, residue mobility, and thermodynamic stability) indicates that this missense variant is not expected to disrupt RYR1 protein function with a negative predictive value of 80%. In summary, the available evidence is currently insufficient to determine the role of this variant in disease. Therefore, it has been classified as a Variant of Uncertain Significance.

GeneDx
Classification: Uncertain significance. Last evaluated: 2025-04-30. Review status: criteria provided, single submitter. Criteria: GeneDx Variant Classification Process June 2021. Collection method: clinical testing. Allele origin: germline. Affected: yes.
Comment: Not observed at significant frequency in large population cohorts (gnomAD); In silico analysis supports that this missense variant has a deleterious effect on protein structure/function; Has not been previously published as pathogenic or benign to our knowledge